The following is an entry in ClinVar:

ClinVar aggregate classification (germline): Conflicting classifications of pathogenicity. Review status: criteria provided, conflicting classifications (1 of 4 stars). 3 submissions from 3 submitters: Uncertain significance (1); Benign (1); Likely benign (1). Last evaluated 2026-01-18.

Conditions:
Ehlers-Danlos syndrome, classic type, 1 (EDSCL1). Also called: Ehlers-Danlos Syndrome, Classic Type, COL5A1-Related; EHLERS-DANLOS SYNDROME, GRAVIS TYPE; EHLERS-DANLOS SYNDROME, SEVERE CLASSIC TYPE; Ehlers-Danlos syndrome, type 1; EDS I. Identifiers: MedGen C0268335, MONDO:0019567, OMIM 130000.
Familial thoracic aortic aneurysm and aortic dissection (TAAD). Also called: Thoracic aortic aneurysms and dissections. Identifiers: Orphanet 91387, MedGen C4707243, MONDO:0019625.

Allele frequency attached by ClinVar (database versions not stated): ExAC 0.00001; gnomAD exomes below 0.00001 and 0.00001.
gnomAD v4.1: 11 of 1,613,738 alleles (0.00068%); highest among the groups gnomAD compares: Admixed American, 0.013%; no homozygotes.

Submissions (3):

Labcorp Genetics (formerly Invitae), Labcorp
Classification: Benign for Ehlers-Danlos syndrome, classic type, 1. Last evaluated: 2026-01-18. Review status: criteria provided, single submitter. Criteria: Invitae Variant Classification Sherloc (09022015). Collection method: clinical testing. Allele origin: germline.

Ambry Genetics
Classification: Likely benign for Familial thoracic aortic aneurysm and aortic dissection. Last evaluated: 2025-06-30. Review status: criteria provided, single submitter. Criteria: Ambry Variant Classification Scheme 2023. Collection method: clinical testing. Allele origin: germline.

GeneDx
Classification: Uncertain significance. Last evaluated: 2024-04-02. Review status: criteria provided, single submitter. Criteria: GeneDx Variant Classification Process June 2021. Collection method: clinical testing. Allele origin: germline. Affected: yes.
Comment: Not observed at significant frequency in large population cohorts (gnomAD); In silico analysis supports that this missense variant does not alter protein structure/function; Has not been previously published as pathogenic or benign to our knowledge; Not located in the triple helical region, where the majority of pathogenic missense variants occur (PMID: 22696272; HGMD); This variant is associated with the following publications: (PMID: 22696272)

NM_000093.5(COL5A1):c.5266G>A (p.Ala1756Thr)

Genes: COL5A1 (collagen type V alpha 1 chain; plus strand), LOC101448202 (uncharacterized LOC101448202; minus strand). Cytogenetic location: 9q34.3.
Variant type: single nucleotide variant.
Coding change: c.5266G>A on transcript NM_000093.5 (MANE Select); coding-DNA position 5266, G replaced by A.
Protein change: p.Ala1756Thr; replaces alanine 1756 with threonine.
Molecular consequence: missense variant.
Genome position (GRCh38, 1-based): chr9:134,835,100, G>A. VCF-style: chr9-134835100-G-A. GRCh37 (hg19) VCF-style: chr9-137726946-G-A.
Other names: p.A1756T:GCC>ACC; c.5266G>A, p.Ala1756Thr (NM_001278074.1); short protein forms A1756T.
Identifiers: ClinVar variation 212911 (VCV000212911.8), dbSNP rs769947722, ClinGen allele CA322619.